The following is an entry in ClinVar:

NM_181332.3(NLGN4X):c.664T>C (p.Tyr222His)

Gene: NLGN4X (neuroligin 4 X-linked; minus strand). Cytogenetic location: Xp22.32.
Variant type: single nucleotide variant.
Coding change: c.664T>C on transcript NM_181332.3 (MANE Select); coding-DNA position 664, T replaced by C.
Protein change: p.Tyr222His; replaces tyrosine 222 with histidine.
Molecular consequence: missense variant.
Genome position (GRCh38, 1-based): chrX:5,909,201, A>G on the plus strand (T>C on the coding strand, the complement: NLGN4X is on the minus strand). VCF-style: chrX-5909201-A-G. GRCh37 (hg19) VCF-style: chrX-5827242-A-G.
Other names: c.664T>C, p.Tyr222His (NM_001282145.2, NM_001282146.2, NM_020742.4); short protein forms Y222H.
Identifiers: ClinVar variation 3252993 (VCV003252993.1), dbSNP rs2518474001.

ClinVar aggregate classification (germline): Uncertain significance (1 of 4 stars; one submission).

Submission:

GeneDx
Classification: Uncertain significance. Last evaluated: 2023-12-11. Review status: criteria provided, single submitter. Criteria: GeneDx Variant Classification Process June 2021. Collection method: clinical testing. Allele origin: germline. Affected: yes.
Comment: Not observed at significant frequency in large population cohorts (gnomAD); In silico analysis supports that this missense variant has a deleterious effect on protein structure/function; Has not been previously published as pathogenic or benign to our knowledge